The following is an entry in ClinVar:

ClinVar aggregate classification (germline): Pathogenic (1 of 4 stars; one submission).

Conditions:
Hereditary breast ovarian cancer syndrome. Also called: Hereditary breast and ovarian cancer syndrome; Breast and ovarian cancer; Hereditary breast and/or ovarian cancer syndrome; Hereditary breast and ovarian cancer; BRCA1- and BRCA2-Associated Hereditary Breast and Ovarian Cancer; Hereditary breast and ovarian cancer syndrome (HBOC). Identifiers: Orphanet 145, MedGen C0677776, MeSH D061325, MONDO:0003582. Disease mechanism: loss of function.

Submission:

Labcorp Genetics (formerly Invitae), Labcorp
Classification: Pathogenic for Hereditary breast ovarian cancer syndrome. Last evaluated: 2024-04-16. Review status: criteria provided, single submitter. Criteria: Invitae Variant Classification Sherloc (09022015). Collection method: clinical testing. Allele origin: germline.
Comment: This sequence change creates a premature translational stop signal (p.Ser840Glyfs*5) in the BRCA1 gene. It is expected to result in an absent or disrupted protein product. Loss-of-function variants in BRCA1 are known to be pathogenic (PMID: 20104584). This variant is not present in population databases (gnomAD no frequency). This variant has not been reported in the literature in individuals affected with BRCA1-related conditions. ClinVar contains an entry for this variant (Variation ID: 850892). For these reasons, this variant has been classified as Pathogenic.

Literature cited by the submitters: PubMed 20104584.

NM_007294.4(BRCA1):c.2518_2521del (p.Ser840fs)

Gene: BRCA1 (BRCA1 DNA repair associated; minus strand). Cytogenetic location: 17q21.31.
Variant type: Deletion.
Coding change: c.2518_2521del on transcript NM_007294.4 (MANE Select); coding-DNA positions 2518 to 2521, 4 bases deleted (AGTC; older notation c.2518_2521delAGTC).
Protein change: p.Ser840fs; shifts the reading frame from serine 840.
Molecular consequence: frameshift variant. On other transcripts: intron variant (137).
Genome position (GRCh38, 1-based): chr17:43,093,010-43,093,013, GACT deleted on the plus strand (AGTC on the coding strand, the reverse complement: BRCA1 is on the minus strand); deleting any 4 consecutive bases within chr17:43,093,010-43,093,014 gives the same sequence; the c. name uses the placement nearest the transcript's 3' end. VCF-style (leftmost placement, unchanged base first): chr17-43093009-CGACT-C. GRCh37 (hg19) VCF-style: chr17-41245026-CGACT-C.
Other names: c.2377_2380del, p.Ser793fs (NM_001407752.1, NM_001407850.1, NM_001407851.1 and 29 more transcripts); c.2374_2377del, p.Ser792fs (NM_001407838.1, NM_001407839.1, NM_001407841.1 and 20 more transcripts); c.2317_2320del, p.Ser773fs (NM_001407862.1); c.2395_2398del, p.Ser799fs (NM_001407863.1, NM_001407648.1, NM_001407664.1 and 19 more transcripts); c.2314_2317del, p.Ser772fs (NM_001407874.1, NM_001407875.1); c.2308_2311del, p.Ser770fs (NM_001407879.1, NM_001407881.1, NM_001407882.1 and 13 more transcripts); c.2305_2308del, p.Ser769fs (NM_001407853.1, NM_001407571.1, NM_001407894.1 and 9 more transcripts); c.2518_2521del, p.Ser840fs (NM_001407854.1, NM_001407858.1, NM_001407859.1 and 30 more transcripts); and 42 more; short protein forms S840fs, S793fs, S672fs, S772fs, S773fs, S814fs, S728fs, S799fs.
Identifiers: ClinVar variation 850892 (VCV000850892.9), dbSNP rs2053746603, ClinGen allele CA916080198.
Genomic context (GRCh38, chr17:43,093,009, plus strand): 5'-AATGTATTCTGCAAATACTGAGCATCAAGTTCACTTTCTTCCATTTCTATGCTTGTTTCC[CGACT>C]GTGGTTAACTTCATGTCCCAATGGATACTTAAAGCCTTCTGTGTCATTTCTATTATCTTT-3'